The following is an entry in ClinVar:

NM_007126.5(VCP):c.271A>T (p.Asn91Tyr)

Gene: VCP (valosin containing protein; minus strand). Cytogenetic location: 9p13.3.
Variant type: single nucleotide variant.
Coding change: c.271A>T on transcript NM_007126.5 (MANE Select); coding-DNA position 271, A replaced by T.
Protein change: p.Asn91Tyr; replaces asparagine 91 with tyrosine.
Molecular consequence: missense variant.
Genome position (GRCh38, 1-based): chr9:35,067,922, T>A on the plus strand (A>T on the coding strand, the complement: VCP is on the minus strand). VCF-style: chr9-35067922-T-A. GRCh37 (hg19) VCF-style: chr9-35067919-T-A.
Other names: c.136A>T, p.Asn46Tyr (NM_001354927.2, NM_001354928.2); short protein forms N91Y, N46Y.
Identifiers: ClinVar variation 217877 (VCV000217877.8), dbSNP rs863225291, ClinGen allele CA279635.

ClinVar aggregate classification (germline): Pathogenic. Review status: criteria provided, single submitter (1 of 4 stars). 4 submissions from 3 submitters: Pathogenic (1). 3 of the submissions do not count toward it. Last evaluated 2025-08-04.

Conditions:
Frontotemporal dementia and/or amyotrophic lateral sclerosis 6 (FTDALS6). Also called: VCP-Related Amyotrophic Lateral Sclerosis; VCP-Related Amyotrophic Lateral Sclerosis/Frontotemporal Dementia. Identifiers: Orphanet 275872, Orphanet 803, MedGen C5436279, MONDO:0013501, OMIM 613954.
Inclusion body myopathy with Paget disease of bone and frontotemporal dementia. Also called: Inclusion body myopathy with early-onset Paget disease and frontotemporal dementia. Identifiers: Orphanet 52430, MedGen C1833662, MONDO:0000507.
INCLUSION BODY MYOPATHY WITHOUT EARLY-ONSET PAGET DISEASE AND FRONTOTEMPORAL DEMENTIA 1.
Inclusion body myopathy with Paget disease of bone and frontotemporal dementia type 1. Also called: MULTISYSTEM PROTEINOPATHY 1; Inclusion body myopathy with early-onset Paget disease and frontotemporal dementia 1; Inclusion body myopathy with early-onset Paget disease with or without frontotemporal dementia 1. Identifiers: MedGen C4551951, MONDO:0008178, OMIM 167320.

Submissions (4):

Labcorp Genetics (formerly Invitae), Labcorp
Classification: Pathogenic for Inclusion body myopathy with Paget disease of bone and frontotemporal dementia; Frontotemporal dementia and/or amyotrophic lateral sclerosis 6. Last evaluated: 2025-08-04. Review status: criteria provided, single submitter. Criteria: Invitae Variant Classification Sherloc (09022015). Collection method: clinical testing. Allele origin: germline.
Comment: This sequence change replaces asparagine, which is neutral and polar, with tyrosine, which is neutral and polar, at codon 91 of the VCP protein (p.Asn91Tyr). This variant is not present in population databases (gnomAD no frequency). This missense change has been observed in individuals with VCP-related conditions (PMID: 27538664; internal data). It has also been observed to segregate with disease in related individuals. ClinVar contains an entry for this variant (Variation ID: 217877). Invitae Evidence Modeling of protein sequence and biophysical properties (such as structural, functional, and spatial information, amino acid conservation, physicochemical variation, residue mobility, and thermodynamic stability) indicates that this missense variant is expected to disrupt VCP protein function with a positive predictive value of 95%. For these reasons, this variant has been classified as Pathogenic.

OMIM
Classification: Pathogenic for INCLUSION BODY MYOPATHY WITHOUT EARLY-ONSET PAGET DISEASE AND FRONTOTEMPORAL DEMENTIA 1. Last evaluated: 2020-12-23. Review status: no assertion criteria provided. Collection method: literature only. Allele origin: germline. Not counted in ClinVar's aggregate classification.

OMIM
Classification: Pathogenic for FRONTOTEMPORAL DEMENTIA AND/OR AMYOTROPHIC LATERAL SCLEROSIS 6. Last evaluated: 2020-12-23. Review status: no assertion criteria provided. Collection method: literature only. Allele origin: germline. Not counted in ClinVar's aggregate classification.

Mendelics
Classification: Likely pathogenic for Inclusion body myopathy with Paget disease of bone and frontotemporal dementia type 1. Last evaluated: 2014-09-16. Review status: no assertion criteria provided. Collection method: clinical testing. Allele origin: germline. Affected: yes. Not counted in ClinVar's aggregate classification.

Literature cited by the submitters: PubMed 27538664 (cited by Labcorp Genetics (formerly Invitae), Labcorp and OMIM); PubMed 15034582 (cited by Mendelics); PubMed 19704082 (cited by Mendelics).